The following is an entry in ClinVar:

ClinVar aggregate classification (germline): Uncertain significance (1 of 4 stars; one submission).

gnomAD v4.1: 4 of 1,538,226 alleles (0.00026%); highest among the groups gnomAD compares: South Asian, 0.0012%; no homozygotes.

Submission:

Labcorp Genetics (formerly Invitae), Labcorp
Classification: Uncertain significance. Last evaluated: 2024-12-31. Review status: criteria provided, single submitter. Criteria: Invitae Variant Classification Sherloc (09022015). Collection method: clinical testing. Allele origin: germline.
Comment: This sequence change replaces valine, which is neutral and non-polar, with methionine, which is neutral and non-polar, at codon 315 of the TAPT1 protein (p.Val315Met). This variant is not present in population databases (gnomAD no frequency). This variant has not been reported in the literature in individuals affected with TAPT1-related conditions. Invitae Evidence Modeling of protein sequence and biophysical properties (such as structural, functional, and spatial information, amino acid conservation, physicochemical variation, residue mobility, and thermodynamic stability) indicates that this missense variant is not expected to disrupt TAPT1 protein function with a negative predictive value of 80%. In summary, the available evidence is currently insufficient to determine the role of this variant in disease. Therefore, it has been classified as a Variant of Uncertain Significance.

NM_153365.3(TAPT1):c.943G>A (p.Val315Met)

Gene: TAPT1 (transmembrane anterior posterior transformation 1; minus strand). Cytogenetic location: 4p15.32.
Variant type: single nucleotide variant.
Coding change: c.943G>A on transcript NM_153365.3 (MANE Select); coding-DNA position 943, G replaced by A.
Protein change: p.Val315Met; replaces valine 315 with methionine.
Molecular consequence: missense variant.
Genome position (GRCh38, 1-based): chr4:16,179,631, C>T on the plus strand (G>A on the coding strand, the complement: TAPT1 is on the minus strand). VCF-style: chr4-16179631-C-T. GRCh37 (hg19) VCF-style: chr4-16181254-C-T.
Other names: short protein forms V315M.
Identifiers: ClinVar variation 3690703 (VCV003690703.2).